The following is an entry in ClinVar:

ClinVar aggregate classification (germline): Uncertain significance (1 of 4 stars; one submission).

Submission:

GeneDx
Classification: Uncertain significance. Last evaluated: 2023-07-06. Review status: criteria provided, single submitter. Criteria: GeneDx Variant Classification Process June 2021. Collection method: clinical testing. Allele origin: germline. Affected: yes.
Comment: Not observed at significant frequency in large population cohorts (gnomAD); In silico analysis supports that this missense variant has a deleterious effect on protein structure/function; Has not been previously published as pathogenic or benign to our knowledge

NM_002069.6(GNAI1):c.128A>G (p.Glu43Gly)

Gene: GNAI1 (G protein subunit alpha i1; plus strand). Cytogenetic location: 7q21.11.
Variant type: single nucleotide variant.
Coding change: c.128A>G on transcript NM_002069.6 (MANE Select); coding-DNA position 128, A replaced by G.
Protein change: p.Glu43Gly; replaces glutamic acid 43 with glycine.
Molecular consequence: missense variant. On other transcripts: 5 prime UTR variant (1).
Genome position (GRCh38, 1-based): chr7:80,188,960, A>G. VCF-style: chr7-80188960-A-G. GRCh37 (hg19) VCF-style: chr7-79818276-A-G.
Other names: c.-29A>G (NM_001256414.2); short protein forms E43G.
Identifiers: ClinVar variation 3360801 (VCV003360801.1).